The following is an entry in ClinVar:

ClinVar aggregate classification (germline): Uncertain significance (1 of 4 stars; one submission).

gnomAD v4.1: 2 of 1,608,254 alleles (0.00012%); highest among the groups gnomAD compares: Admixed American, 0.0017%; no homozygotes.

Submission:

Labcorp Genetics (formerly Invitae), Labcorp
Classification: Uncertain significance. Last evaluated: 2025-09-06. Review status: criteria provided, single submitter. Criteria: Invitae Variant Classification Sherloc (09022015). Collection method: clinical testing. Allele origin: germline.
Comment: This sequence change replaces leucine, which is neutral and non-polar, with proline, which is neutral and non-polar, at codon 827 of the CFH protein (p.Leu827Pro). The frequency data for this variant in the population databases is considered unreliable, as metrics indicate poor data quality at this position in the gnomAD database. This variant has not been reported in the literature in individuals affected with CFH-related conditions. ClinVar contains an entry for this variant (Variation ID: 3678675). An algorithm developed to predict the effect of missense changes on protein structure and function (PolyPhen-2) suggests that this variant is likely to be disruptive. In summary, the available evidence is currently insufficient to determine the role of this variant in disease. Therefore, it has been classified as a Variant of Uncertain Significance.

NM_000186.4(CFH):c.2480T>C (p.Leu827Pro)

Gene: CFH (complement factor H; plus strand). Cytogenetic location: 1q31.3.
Variant type: single nucleotide variant.
Coding change: c.2480T>C on transcript NM_000186.4 (MANE Select); coding-DNA position 2480, T replaced by C.
Protein change: p.Leu827Pro; replaces leucine 827 with proline.
Molecular consequence: missense variant.
Genome position (GRCh38, 1-based): chr1:196,736,890, T>C. VCF-style: chr1-196736890-T-C. GRCh37 (hg19) VCF-style: chr1-196706020-T-C.
Other names: short protein forms L827P.
Identifiers: ClinVar variation 3678675 (VCV003678675.2).